The following is an entry in ClinVar:

ClinVar aggregate classification (germline): Uncertain significance (1 of 4 stars; one submission).

Conditions:
Developmental and epileptic encephalopathy, 23 (DEE23). Also called: Epileptic encephalopathy, early infantile, 23. Identifiers: Orphanet 411986, MedGen C4014492, MONDO:0014371, OMIM 615859.

gnomAD v4.1: 1 of 1,613,888 alleles (0.000062%); highest among the groups gnomAD compares: Non-Finnish European, 0.000085%; no homozygotes.

Submission:

Labcorp Genetics (formerly Invitae), Labcorp
Classification: Uncertain significance for Developmental and epileptic encephalopathy, 23. Last evaluated: 2021-03-10. Review status: criteria provided, single submitter. Criteria: Invitae Variant Classification Sherloc (09022015). Collection method: clinical testing. Allele origin: germline.
Comment: Algorithms developed to predict the effect of missense changes on protein structure and function (SIFT, PolyPhen-2, Align-GVGD) all suggest that this variant is likely to be tolerated, but these predictions have not been confirmed by published functional studies and their clinical significance is uncertain. This sequence change replaces serine with alanine at codon 1321 of the DOCK7 protein (p.Ser1321Ala). The serine residue is moderately conserved and there is a moderate physicochemical difference between serine and alanine. This variant is not present in population databases (ExAC no frequency). This variant has not been reported in the literature in individuals with DOCK7-related conditions. In summary, the available evidence is currently insufficient to determine the role of this variant in disease. Therefore, it has been classified as a Variant of Uncertain Significance.

NM_001367561.1(DOCK7):c.3961T>G (p.Ser1321Ala)

Gene: DOCK7 (dedicator of cytokinesis 7; minus strand). Cytogenetic location: 1p31.3.
Variant type: single nucleotide variant.
Coding change: c.3961T>G on transcript NM_001367561.1 (MANE Select); coding-DNA position 3961, T replaced by G.
Protein change: p.Ser1321Ala; replaces serine 1321 with alanine.
Molecular consequence: missense variant.
Genome position (GRCh38, 1-based): chr1:62,513,874, A>C on the plus strand (T>G on the coding strand, the complement: DOCK7 is on the minus strand). VCF-style: chr1-62513874-A-C. GRCh37 (hg19) VCF-style: chr1-62979545-A-C.
Other names: c.3961T>G, p.Ser1321Ala (NM_001271999.2, NM_001330614.2); c.3868T>G, p.Ser1290Ala (NM_001272000.2, NM_001272001.2, NM_033407.4); short protein forms S1321A, S1290A.
Identifiers: ClinVar variation 1501316 (VCV001501316.8), dbSNP rs2149341186, ClinGen allele CA340625625.